The following is an entry in ClinVar:

NM_006767.4(LZTR1):c.1747T>C (p.Cys583Arg)

Gene: LZTR1 (leucine zipper like post translational regulator 1; plus strand). Cytogenetic location: 22q11.21.
Variant type: single nucleotide variant.
Coding change: c.1747T>C on transcript NM_006767.4 (MANE Select); coding-DNA position 1747, T replaced by C.
Protein change: p.Cys583Arg; replaces cysteine 583 with arginine.
Molecular consequence: missense variant.
Genome position (GRCh38, 1-based): chr22:20,994,689, T>C. VCF-style: chr22-20994689-T-C. GRCh37 (hg19) VCF-style: chr22-21348978-T-C.
Other names: c.1747T>C (NM_006767.3); short protein forms C583R.
Identifiers: ClinVar variation 1910533 (VCV001910533.8), dbSNP rs752876197, ClinGen allele CA10119042.
Genomic context (GRCh38, chr22:20,994,689, plus strand): 5'-GAGCAGCTGTGCCGCCAGTACATCGAGGCCTCCGTGGACCTGCAGAACGTGCTGGTTGTG[T>C]GCGAGAGTGCCGCCCGGCTGCAGCTGAGCCAACTCAAGGTGTGGGGTGGGGTCAGCGCAA-3'
Protein context (NP_006758.2, residues 573-593): SVDLQNVLVV[Cys583Arg]ESAARLQLSQ

ClinVar aggregate classification (germline): Uncertain significance. Review status: criteria provided, multiple submitters, no conflicts (2 of 4 stars). 2 submissions from 2 submitters: Uncertain significance (2). Last evaluated 2026-01-13.

Conditions:
Cardiovascular phenotype. Identifiers: MedGen CN230736.
Hereditary cancer-predisposing syndrome. Also called: Neoplastic Syndromes, Hereditary; Hereditary Cancer Syndrome; Tumor predisposition; Hereditary neoplastic syndrome. Identifiers: Orphanet 140162, MedGen C0027672, MeSH D009386, MONDO:0015356.

Allele frequency attached by ClinVar (database versions not stated): gnomAD exomes below 0.00001; ExAC 0.00001; gnomAD 0.00001; TOPMed 0.00001.
gnomAD v4.1: 5 of 1,612,612 alleles (0.00031%); highest among the groups gnomAD compares: Admixed American, 0.0017%; no homozygotes.

Submissions (2):

Labcorp Genetics (formerly Invitae), Labcorp
Classification: Uncertain significance. Last evaluated: 2026-01-13. Review status: criteria provided, single submitter. Criteria: Invitae Variant Classification Sherloc (09022015). Collection method: clinical testing. Allele origin: germline.
Comment: This sequence change replaces cysteine, which is neutral and slightly polar, with arginine, which is basic and polar, at codon 583 of the LZTR1 protein (p.Cys583Arg). This variant is present in population databases (rs752876197, gnomAD 0.0009%). This missense change has been observed in individual(s) with clinical features of LZTR1-related conditions (PMID: 35131284, 37432431). ClinVar contains an entry for this variant (Variation ID: 1910533). Invitae Evidence Modeling of protein sequence and biophysical properties (such as structural, functional, and spatial information, amino acid conservation, physicochemical variation, residue mobility, and thermodynamic stability) indicates that this missense variant is not expected to disrupt LZTR1 protein function with a negative predictive value of 80%. In summary, the available evidence is currently insufficient to determine the role of this variant in disease. Therefore, it has been classified as a Variant of Uncertain Significance.

Ambry Genetics
Classification: Uncertain significance for Cardiovascular phenotype; Hereditary cancer-predisposing syndrome. Last evaluated: 2025-06-05. Review status: criteria provided, single submitter. Criteria: Ambry Variant Classification Scheme 2023. Collection method: clinical testing. Allele origin: germline.
Comment: The p.C583R variant (also known as c.1747T>C), located in coding exon 15 of the LZTR1 gene, results from a T to C substitution at nucleotide position 1747. The cysteine at codon 583 is replaced by arginine, an amino acid with highly dissimilar properties. This amino acid position is highly conserved in available vertebrate species. In addition, this alteration is predicted to be deleterious by in silico analysis. Based on the available evidence, the clinical significance of this variant remains unclear.

Literature cited by the submitters: PubMed 35131284 (cited by Labcorp Genetics (formerly Invitae), Labcorp); PubMed 37432431 (cited by Labcorp Genetics (formerly Invitae), Labcorp).